The following is an entry in ClinVar:

NM_000257.4(MYH7):c.5450C>T (p.Ala1817Val)

Gene: MYH7 (myosin heavy chain 7; minus strand). Cytogenetic location: 14q11.2.
Variant type: single nucleotide variant.
Coding change: c.5450C>T on transcript NM_000257.4 (MANE Select); coding-DNA position 5450, C replaced by T.
Protein change: p.Ala1817Val; replaces alanine 1817 with valine.
Molecular consequence: missense variant.
Genome position (GRCh38, 1-based): chr14:23,415,104, G>A on the plus strand (C>T on the coding strand, the complement: MYH7 is on the minus strand). VCF-style: chr14-23415104-G-A. GRCh37 (hg19) VCF-style: chr14-23884313-G-A.
Other names: c.5450C>T (LRG_384t1); short protein forms A1817V.
Identifiers: ClinVar variation 452602 (VCV000452602.19), dbSNP rs1469786429, ClinGen allele CA389035340.

ClinVar aggregate classification (germline): Uncertain significance. Review status: criteria provided, multiple submitters, no conflicts (2 of 4 stars). 6 submissions from 6 submitters: Uncertain significance (6). Last evaluated 2025-12-08.

Conditions:
Cardiovascular phenotype. Identifiers: MedGen CN230736.
Cardiomyopathy (CMYO). Also called: Cardiomyopathies. Identifiers: Orphanet 167848, MedGen C0878544, MONDO:0004994, HP:0001638. Inheritance: Various modes of inheritance.
Hypertrophic cardiomyopathy. Also called: HYPERTROPHIC MYOCARDIOPATHY. Identifiers: Orphanet 217569, MedGen C0007194, MeSH D002312, MONDO:0005045, HP:0001639.

Allele frequency attached by ClinVar (database versions not stated): gnomAD 0.00001; gnomAD exomes 0.00001 and 0.00003; TOPMed 0.00002.
gnomAD v4.1: 41 of 1,613,910 alleles (0.0025%); highest among the groups gnomAD compares: Non-Finnish European, 0.0033%; no homozygotes.

Submissions (6):

Labcorp Genetics (formerly Invitae), Labcorp
Classification: Uncertain significance for Hypertrophic cardiomyopathy. Last evaluated: 2025-12-08. Review status: criteria provided, single submitter. Criteria: Invitae Variant Classification Sherloc (09022015). Collection method: clinical testing. Allele origin: germline.
Comment: This sequence change replaces alanine, which is neutral and non-polar, with valine, which is neutral and non-polar, at codon 1817 of the MYH7 protein (p.Ala1817Val). This variant is present in population databases (no rsID available, gnomAD 0.003%). This missense change has been observed in individual(s) with hypertrophic cardiomyopathy (PMID: 37652022). ClinVar contains an entry for this variant (Variation ID: 452602). Invitae Evidence Modeling of protein sequence and biophysical properties (such as structural, functional, and spatial information, amino acid conservation, physicochemical variation, residue mobility, and thermodynamic stability) has been performed for this missense variant. However, the output from this modeling did not meet the statistical confidence thresholds required to predict the impact of this variant on MYH7 protein function. In summary, the available evidence is currently insufficient to determine the role of this variant in disease. Therefore, it has been classified as a Variant of Uncertain Significance.

Color Diagnostics, LLC DBA Color Health
Classification: Uncertain significance for Cardiomyopathy. Last evaluated: 2025-08-11. Review status: criteria provided, single submitter. Criteria: ACMG Guidelines, 2015. Collection method: clinical testing. Allele origin: germline.
Comment: This missense variant replaces alanine with valine at codon 1817 of the MYH7 protein. Computational prediction suggests that this variant may not impact protein structure and function. To our knowledge, functional studies have not been reported for this variant. This variant has not been reported in individuals affected with MYH7-related disorders in the literature. This variant has been identified in 4/282810 chromosomes in the general population by the Genome Aggregation Database (gnomAD). The available evidence is insufficient to determine the role of this variant in disease conclusively. Therefore, this variant is classified as a Variant of Uncertain Significance.

GeneDx
Classification: Uncertain significance. Last evaluated: 2024-12-23. Review status: criteria provided, single submitter. Criteria: GeneDx Variant Classification Process June 2021. Collection method: clinical testing. Allele origin: germline. Affected: yes.
Comment: Not observed at significant frequency in large population cohorts (gnomAD); In silico analysis indicates that this missense variant does not alter protein structure/function; Identified in individual(s) with hypertrophic cardiomyopathy in published literature (PMID: 37652022); This variant is associated with the following publications: (PMID: 30681346, 37652022)

All of Us Research Program, National Institutes of Health
Classification: Uncertain significance for Cardiomyopathy. Last evaluated: 2024-04-10. Review status: criteria provided, single submitter. Criteria: ACMG Guidelines, 2015. Collection method: clinical testing. Allele origin: germline. Inheritance: Autosomal dominant inheritance. Observed: 6 variant alleles, 6 heterozygotes.
Comment: This missense variant replaces alanine with valine at codon 1817 of the MYH7 protein. Computational prediction suggests that this variant may not impact protein structure and function (internally defined REVEL score threshold <= 0.5, PMID: 27666373). To our knowledge, functional studies have not been reported for this variant. This variant has not been reported in individuals affected with MYH7-related disorders in the literature. This variant has been identified in 4/282810 chromosomes in the general population by the Genome Aggregation Database (gnomAD). The available evidence is insufficient to determine the role of this variant in disease conclusively. Therefore, this variant is classified as a Variant of Uncertain Significance.

This study involves interpretation of variants in research participants for the purpose of population health screening. Participant phenotype was not available at the time of variant classification. Additional details can be found in publication PMID: 35346344, PMCID: PMC8962531

Ambry Genetics
Classification: Uncertain significance for Cardiovascular phenotype. Last evaluated: 2023-07-27. Review status: criteria provided, single submitter. Criteria: Ambry Variant Classification Scheme 2023. Collection method: clinical testing. Allele origin: germline.
Comment: The p.A1817V variant (also known as c.5450C>T), located in coding exon 35 of the MYH7 gene, results from a C to T substitution at nucleotide position 5450. The alanine at codon 1817 is replaced by valine, an amino acid with similar properties. This amino acid position is well conserved in available vertebrate species. In addition, the in silico prediction for this alteration is inconclusive. Since supporting evidence is limited at this time, the clinical significance of this alteration remains unclear.

CHEO Genetics Diagnostic Laboratory, Children's Hospital of Eastern Ontario
Classification: Uncertain significance for Cardiomyopathy. Last evaluated: 2021-09-16. Review status: criteria provided, single submitter. Criteria: ACMG Guidelines, 2015. Collection method: clinical testing. Allele origin: germline.

Literature cited by the submitters: PubMed 37652022 (cited by Labcorp Genetics (formerly Invitae), Labcorp).